The following is an entry in ClinVar:

NM_003742.4(ABCB11):c.950G>C (p.Arg317Thr)

Gene: ABCB11 (ATP binding cassette subfamily B member 11; minus strand). Cytogenetic location: 2q31.1.
Variant type: single nucleotide variant.
Coding change: c.950G>C on transcript NM_003742.4 (MANE Select); coding-DNA position 950, G replaced by C.
Protein change: p.Arg317Thr; replaces arginine 317 with threonine.
Molecular consequence: missense variant.
Genome position (GRCh38, 1-based): chr2:168,986,243, C>G on the plus strand (G>C on the coding strand, the complement: ABCB11 is on the minus strand). VCF-style: chr2-168986243-C-G. GRCh37 (hg19) VCF-style: chr2-169842753-C-G.
Other names: short protein forms R317T.
Identifiers: ClinVar variation 4990765 (VCV004990765.1).

ClinVar aggregate classification (germline): Uncertain significance (1 of 4 stars; one submission).

Conditions:
ABCB11-related disorder. Also called: ABCB11-related condition.

gnomAD v4.1: 42 of 1,613,164 alleles (0.0026%); highest among the groups gnomAD compares: Non-Finnish European, 0.0035%; no homozygotes.

Submission:

PreventionGenetics, part of Exact Sciences
Classification: Uncertain significance for ABCB11-related condition. Last evaluated: 2025-03-06. Review status: criteria provided, single submitter. Criteria: ACMG Guidelines, 2015. Collection method: clinical testing. Allele origin: germline.
Comment: The ABCB11 c.950G>C variant is predicted to result in the amino acid substitution p.Arg317Thr. To our knowledge, this variant has not been reported in the literature. This variant is reported in 0.0023% of alleles in individuals of European (Non-Finnish) descent in gnomAD. At this time, the clinical significance of this variant is uncertain due to the absence of conclusive functional and genetic evidence.